The following is an entry in ClinVar:

NM_001851.6(COL9A1):c.1089+9C>G

Gene: COL9A1 (collagen type IX alpha 1 chain; minus strand). Cytogenetic location: 6q13.
Variant type: single nucleotide variant.
Coding change: c.1089+9C>G on transcript NM_001851.6 (MANE Select); 9 bases into the intron after coding-DNA position 1089, C replaced by G.
Molecular consequence: intron variant.
Genome position (GRCh38, 1-based): chr6:70,272,056, G>C on the plus strand (C>G on the coding strand, the complement: COL9A1 is on the minus strand). VCF-style: chr6-70272056-G-C. GRCh37 (hg19) VCF-style: chr6-70981759-G-C.
Other names: c.360+9C>G (NM_001377290.1, NM_078485.4, NM_001377289.1).
Identifiers: ClinVar variation 258339 (VCV000258339.22), dbSNP rs142247988, ClinGen allele CA3882423.
Genomic context (GRCh38, chr6:70,272,056, plus strand): 5'-AAGGTGGGGATTTGAGAAATAGGACATTTTTATAGACTGCATAAAAATAAATGATGAAGT[G>C]ATACTTACAGGGGGTCCAGGAATACCACGGCCCTAAAAGAGTACAATAAAAATGGTTATA-3'

ClinVar aggregate classification (germline): Benign/Likely benign. Review status: criteria provided, multiple submitters, no conflicts (2 of 4 stars). 9 submissions from 9 submitters: Benign (2); Likely benign (5). 2 of the submissions do not count toward it. Last evaluated 2026-05-12.

Conditions:
Connective tissue disorder. Also called: Connective tissue disease. Identifiers: MedGen C0009782, MONDO:0003900.

Allele frequency attached by ClinVar (database versions not stated): 1000 Genomes Project 30x 0.00125; 1000 Genomes Project 0.00140; TOPMed 0.00154; ESP Exome Variant Server 0.00177; gnomAD exomes 0.00198 and 0.00268; gnomAD 0.00217 and 0.00221; ExAC 0.00218.
gnomAD v4.1: 4,210 of 1,611,134 alleles (0.26%); highest among the groups gnomAD compares: Non-Finnish European, 0.31%; 8 homozygotes.

Submissions (9):

Women's Health and Genetics/Laboratory Corporation of America, LabCorp
Classification: Benign. Last evaluated: 2026-05-12. Review status: criteria provided, single submitter. Criteria: LabCorp Variant Classification Summary - May 2015. Collection method: clinical testing. Allele origin: germline.

Labcorp Genetics (formerly Invitae), Labcorp
Classification: Benign. Last evaluated: 2026-02-04. Review status: criteria provided, single submitter. Criteria: Invitae Variant Classification Sherloc (09022015). Collection method: clinical testing. Allele origin: germline.

Blueprint Genetics
Classification: Likely benign. Last evaluated: 2024-11-23. Review status: criteria provided, single submitter. Criteria: ACMG Guidelines, 2015. Collection method: clinical testing. Allele origin: germline.

Genome Diagnostics Laboratory, The Hospital for Sick Children
Classification: Likely benign for Connective tissue disorder. Last evaluated: 2020-04-01. Review status: criteria provided, single submitter. Criteria: ACMG Guidelines, 2015. Collection method: clinical testing. Allele origin: germline.

GeneDx
Classification: Likely benign. Last evaluated: 2017-12-04. Review status: criteria provided, single submitter. Criteria: GeneDx Variant Classification (06012015). Collection method: clinical testing. Allele origin: germline. Affected: yes.
Comment: This variant is considered likely benign or benign based on one or more of the following criteria: it is a conservative change, it occurs at a poorly conserved position in the protein, it is predicted to be benign by multiple in silico algorithms, and/or has population frequency not consistent with disease.

Eurofins Ntd Llc (ga)
Classification: Likely benign. Last evaluated: 2016-11-30. Review status: criteria provided, single submitter. Criteria: EGL Classification Definitions 2015. Collection method: clinical testing. Allele origin: germline. Observed: 1 variant allele, 1 heterozygote.

PreventionGenetics, part of Exact Sciences
Classification: Likely benign. Review status: criteria provided, single submitter. Criteria: ACMG Guidelines, 2015. Collection method: clinical testing. Allele origin: germline.

Clinical Genetics DNA and cytogenetics Diagnostics Lab, Erasmus MC, Erasmus Medical Center
Classification: Likely benign. Review status: no assertion criteria provided. Collection method: clinical testing. Allele origin: germline. Affected: yes. Study: VKGL Data-share Consensus. Not counted in ClinVar's aggregate classification.

Clinical Genetics, Academic Medical Center
Classification: Likely benign. Review status: no assertion criteria provided. Collection method: clinical testing. Allele origin: germline. Affected: yes. Study: VKGL Data-share Consensus. Not counted in ClinVar's aggregate classification.